The following is an entry in ClinVar:

ClinVar aggregate classification (germline): Uncertain significance (1 of 4 stars; one submission).

Submission:

Ambry Genetics
Classification: Uncertain significance. Last evaluated: 2023-03-08. Review status: criteria provided, single submitter. Criteria: Ambry Variant Classification Scheme 2023. Collection method: clinical testing. Allele origin: germline.
Comment: The p.D1506H variant (also known as c.4516G>C), located in coding exon 16 of the POLQ gene, results from a G to C substitution at nucleotide position 4516. The aspartic acid at codon 1506 is replaced by histidine, an amino acid with similar properties. This amino acid position is conserved. In addition, this alteration is predicted to be tolerated by in silico analysis. Since supporting evidence is limited at this time, the clinical significance of this alteration remains unclear.

NM_199420.4(POLQ):c.4516G>C (p.Asp1506His)

Gene: POLQ (DNA polymerase theta; minus strand). Cytogenetic location: 3q13.33.
Variant type: single nucleotide variant.
Coding change: c.4516G>C on transcript NM_199420.4 (MANE Select); coding-DNA position 4516, G replaced by C.
Protein change: p.Asp1506His; replaces aspartic acid 1506 with histidine.
Molecular consequence: missense variant.
Genome position (GRCh38, 1-based): chr3:121,488,415, C>G on the plus strand (G>C on the coding strand, the complement: POLQ is on the minus strand). VCF-style: chr3-121488415-C-G. GRCh37 (hg19) VCF-style: chr3-121207262-C-G.
Other names: short protein forms D1506H.
Identifiers: ClinVar variation 2449054 (VCV002449054.2), dbSNP rs2546785831, ClinGen allele CA354094873.